The following is an entry in ClinVar:

NM_020975.6(RET):c.3277G>A (p.Asp1093Asn)

Gene: RET (ret proto-oncogene; plus strand). Cytogenetic location: 10q11.21.
Variant type: single nucleotide variant.
Coding change: c.3277G>A on transcript NM_020975.6 (MANE Select); coding-DNA position 3277, G replaced by A.
Protein change: p.Asp1093Asn; replaces aspartic acid 1093 with asparagine.
Molecular consequence: missense variant.
Genome position (GRCh38, 1-based): chr10:43,128,201, G>A. VCF-style: chr10-43128201-G-A. GRCh37 (hg19) VCF-style: chr10-43623649-G-A.
Other names: short protein forms D1093N.
Identifiers: ClinVar variation 999762 (VCV000999762.8), dbSNP rs1838376422, ClinGen allele CA376559101.

ClinVar aggregate classification (germline): Uncertain significance (1 of 4 stars; one submission).

Conditions:
Multiple endocrine neoplasia, type 2 (MEN2). Identifiers: Orphanet 653, MedGen C4048306, MONDO:0019003. Disease mechanism: gain of function.

Submission:

Labcorp Genetics (formerly Invitae), Labcorp
Classification: Uncertain significance for Multiple endocrine neoplasia, type 2. Last evaluated: 2020-07-13. Review status: criteria provided, single submitter. Criteria: Invitae Variant Classification Sherloc (09022015). Collection method: clinical testing. Allele origin: germline.
Comment: In summary, the available evidence is currently insufficient to determine the role of this variant in disease. Therefore, it has been classified as a Variant of Uncertain Significance. Algorithms developed to predict the effect of missense changes on protein structure and function are either unavailable or do not agree on the potential impact of this missense change (SIFT: "Tolerated"; PolyPhen-2: "Probably Damaging"; Align-GVGD: "Class C0"). This variant has not been reported in the literature in individuals with RET-related conditions. This variant is not present in population databases (ExAC no frequency). This sequence change replaces aspartic acid with asparagine at codon 1093 of the RET protein (p.Asp1093Asn). The aspartic acid residue is highly conserved and there is a small physicochemical difference between aspartic acid and asparagine.